The following is an entry in ClinVar:

NM_133497.4(KCNV2):c.1137G>A (p.Met379Ile)

Gene: KCNV2 (potassium voltage-gated channel modifier subfamily V member 2; plus strand). Cytogenetic location: 9p24.2.
Variant type: single nucleotide variant.
Coding change: c.1137G>A on transcript NM_133497.4 (MANE Select); coding-DNA position 1137, G replaced by A.
Protein change: p.Met379Ile; replaces methionine 379 with isoleucine.
Molecular consequence: missense variant.
Genome position (GRCh38, 1-based): chr9:2,718,876, G>A. VCF-style: chr9-2718876-G-A. GRCh37 (hg19) VCF-style: chr9-2718876-G-A.
Other names: short protein forms M379I.
Identifiers: ClinVar variation 961391 (VCV000961391.9), dbSNP rs1819805927, ClinGen allele CA372802099.
Genomic context (GRCh38, chr9:2,718,876, plus strand): 5'-CCACCAACGCGGCCAGACGGTGGGCAGCGTGGGTAAGGTGGGTCAGGTGTTGCGCGTCAT[G>A]CGCCTCATGCGCATCTTCCGCATCCTCAAGCTGGCGCGCCACTCCACCGGACTGCGTGCC-3'
Protein context (NP_598004.1, residues 369-389): VGKVGQVLRV[Met379Ile]RLMRIFRILK

ClinVar aggregate classification (germline): Uncertain significance (1 of 4 stars; one submission).

Submission:

Labcorp Genetics (formerly Invitae), Labcorp
Classification: Uncertain significance. Last evaluated: 2019-08-06. Review status: criteria provided, single submitter. Criteria: Invitae Variant Classification Sherloc (09022015). Collection method: clinical testing. Allele origin: germline.
Comment: This sequence change replaces methionine with isoleucine at codon 379 of the KCNV2 protein (p.Met379Ile). The methionine residue is highly conserved and there is a small physicochemical difference between methionine and isoleucine. This variant is not present in population databases (ExAC no frequency). This variant has not been reported in the literature in individuals with KCNV2-related conditions. In summary, the available evidence is currently insufficient to determine the role of this variant in disease. Therefore, it has been classified as a Variant of Uncertain Significance. Algorithms developed to predict the effect of missense changes on protein structure and function are either unavailable or do not agree on the potential impact of this missense change (SIFT: "Deleterious"; PolyPhen-2: "Benign"; Align-GVGD: "Class C0").